The following is an entry in ClinVar:

NM_003070.5(SMARCA2):c.836C>A (p.Pro279Gln)

Gene: SMARCA2 (SWI/SNF related BAF chromatin remodeling complex subunit ATPase 2; plus strand). Cytogenetic location: 9p24.3.
Variant type: single nucleotide variant.
Coding change: c.836C>A on transcript NM_003070.5 (MANE Select); coding-DNA position 836, C replaced by A.
Protein change: p.Pro279Gln; replaces proline 279 with glutamine.
Molecular consequence: missense variant.
Genome position (GRCh38, 1-based): chr9:2,047,274, C>A. VCF-style: chr9-2047274-C-A. GRCh37 (hg19) VCF-style: chr9-2047274-C-A.
Other names: c.836C>A, p.Pro279Gln (NM_001289396.2, NM_001289397.2, NM_139045.4); short protein forms P279Q.
Identifiers: ClinVar variation 2966525 (VCV002966525.3), dbSNP rs1366632338, ClinGen allele CA372780786.

ClinVar aggregate classification (germline): Uncertain significance (1 of 4 stars; one submission).

gnomAD v4.1: 10 of 1,002,342 alleles (0.001%); highest among the groups gnomAD compares: Non-Finnish European, 0.0012%; no homozygotes.

Submission:

Labcorp Genetics (formerly Invitae), Labcorp
Classification: Uncertain significance. Last evaluated: 2023-11-28. Review status: criteria provided, single submitter. Criteria: Invitae Variant Classification Sherloc (09022015). Collection method: clinical testing. Allele origin: germline.
Comment: This sequence change replaces proline, which is neutral and non-polar, with glutamine, which is neutral and polar, at codon 279 of the SMARCA2 protein (p.Pro279Gln). The frequency data for this variant in the population databases is considered unreliable, as metrics indicate insufficient coverage at this position in the gnomAD database. This variant has not been reported in the literature in individuals affected with SMARCA2-related conditions. Advanced modeling of protein sequence and biophysical properties (such as structural, functional, and spatial information, amino acid conservation, physicochemical variation, residue mobility, and thermodynamic stability) performed at Invitae indicates that this missense variant is not expected to disrupt SMARCA2 protein function with a negative predictive value of 80%. In summary, the available evidence is currently insufficient to determine the role of this variant in disease. Therefore, it has been classified as a Variant of Uncertain Significance.